The following is an entry in ClinVar:

ClinVar aggregate classification (germline): Uncertain significance. Review status: criteria provided, multiple submitters, no conflicts (2 of 4 stars). 4 submissions from 4 submitters: Uncertain significance (4). Last evaluated 2026-01-16.

Conditions:
Cardioencephalomyopathy, fatal infantile, due to cytochrome c oxidase deficiency 1 (MC4DN2). Also called: CYTOCHROME c OXIDASE DEFICIENCY, FATAL INFANTILE, WITH CARDIOENCEPHALOMYOPATHY; MITOCHONDRIAL COMPLEX IV DEFICIENCY, NUCLEAR TYPE 2. Identifiers: Orphanet 1561, MedGen C5399977, MONDO:0011451, OMIM 604377.

gnomAD v4.1: 24 of 1,608,422 alleles (0.0015%); highest among the groups gnomAD compares: Middle Eastern, 0.05%; no homozygotes.

Submissions (4):

Myriad Genetics, Inc.
Classification: Uncertain significance for Cardioencephalomyopathy, fatal infantile, due to cytochrome c oxidase deficiency 1. Last evaluated: 2026-01-16. Review status: criteria provided, single submitter. Criteria: Myriad Autosomal Dominant, Autosomal Recessive and X-Linked Classification Criteria (2023). Collection method: clinical testing. Allele origin: unknown.
Comment: NM_005138.2(SCO2):c.202G>A(G68R) is a missense variant classified as a variant of uncertain significance in the context of mitochondrial complex IV deficiency, SCO2-related. G68R has been observed in a case with relevant disease (PMID: 36675121). Relevant functional assessments of this variant are not available in the literature. G68R has been observed in referenced population frequency databases. In summary, there is insufficient evidence to classify NM_005138.2(SCO2):c.202G>A(G68R) as pathogenic or benign. Please note: this variant was assessed in the context of healthy population screening.

Women's Health and Genetics/Laboratory Corporation of America, LabCorp
Classification: Uncertain significance. Last evaluated: 2024-05-31. Review status: criteria provided, single submitter. Criteria: LabCorp Variant Classification Summary - May 2015. Collection method: clinical testing. Allele origin: germline.
Comment: Variant summary: SCO2 c.202G>A (p.Gly68Arg) results in a non-conservative amino acid change in the encoded protein sequence. Three of five in-silico tools predict a damaging effect of the variant on protein function. The variant allele was found at a frequency of 1.2e-05 in 242564 control chromosomes. The available data on variant occurrences in the general population are insufficient to allow any conclusion about variant significance. c.202G>A has been reported in the literature in at least one individual with unknown zygosity affected with Leigh syndrome (Kistol_2023). These report(s) do not provide unequivocal conclusions about association of the variant with Mitochondrial complex IV deficiency, nuclear type 2. To our knowledge, no experimental evidence demonstrating an impact on protein function has been reported. The following publication has been ascertained in the context of this evaluation (PMID: 36675121). ClinVar contains an entry for this variant (Variation ID: 2062321). Based on the evidence outlined above, the variant was classified as uncertain significance.

Laboratory of Inherited Metabolic Diseases, Research centre for medical genetics
Classification: Uncertain significance for Cardioencephalomyopathy, fatal infantile, due to cytochrome c oxidase deficiency 1. Last evaluated: 2023-01-31. Review status: criteria provided, single submitter. Criteria: ACMG Guidelines, 2015. Collection method: clinical testing. Allele origin: maternal. Inheritance: Autosomal recessive inheritance. Affected: yes. Observed: 1 variant allele.

Labcorp Genetics (formerly Invitae), Labcorp
Classification: Uncertain significance. Last evaluated: 2022-07-05. Review status: criteria provided, single submitter. Criteria: Invitae Variant Classification Sherloc (09022015). Collection method: clinical testing. Allele origin: germline.
Comment: This sequence change replaces glycine, which is neutral and non-polar, with arginine, which is basic and polar, at codon 68 of the SCO2 protein (p.Gly68Arg). This variant is present in population databases (no rsID available, gnomAD 0.003%). This variant has not been reported in the literature in individuals affected with SCO2-related conditions. Algorithms developed to predict the effect of missense changes on protein structure and function (SIFT, PolyPhen-2, Align-GVGD) all suggest that this variant is likely to be disruptive. In summary, the available evidence is currently insufficient to determine the role of this variant in disease. Therefore, it has been classified as a Variant of Uncertain Significance.

Literature cited by the submitters: PubMed 36675121 (cited by Myriad Genetics, Inc. and Women's Health and Genetics/Laboratory Corporation of America, LabCorp).

NM_005138.3(SCO2):c.202G>A (p.Gly68Arg)

Genes: NCAPH2 (non-SMC condensin II complex subunit H2; plus strand), SCO2 (synthesis of cytochrome C oxidase 2; minus strand). Cytogenetic location: 22q13.33.
Variant type: single nucleotide variant.
Coding change: c.202G>A on transcript NM_005138.3 (MANE Select); coding-DNA position 202, G replaced by A.
Protein change: p.Gly68Arg; replaces glycine 68 with arginine.
Molecular consequence: missense variant. On other transcripts: 3 prime UTR variant (2).
Genome position (GRCh38, 1-based): chr22:50,524,210, C>T on the plus strand (G>A on the coding strand, the complement: SCO2 is on the minus strand). VCF-style: chr22-50524210-C-T. GRCh37 (hg19) VCF-style: chr22-50962639-C-T.
Other names: c.*835C>T (NM_001185011.2, NM_152299.4); c.202G>A, p.Gly68Arg (NM_001169109.2, NM_001169110.1, NM_001169111.2); short protein forms G68R.
Identifiers: ClinVar variation 2062321 (VCV002062321.9), dbSNP rs1007416904, ClinGen allele CA412193662.